The following is an entry in ClinVar:

ClinVar aggregate classification (germline): Likely benign (1 of 4 stars; one submission).

Submission:

CeGaT Center for Human Genetics Tuebingen
Classification: Likely benign. Last evaluated: 2023-01-01. Review status: criteria provided, single submitter. Criteria: CeGaT Center For Human Genetics Tuebingen Variant Classification Criteria Version 2. Collection method: clinical testing. Allele origin: germline. Affected: yes. Observed: 1 variant allele.
Comment: ENSG00000284634: BS2

NC_000012.12:g.9545131A>T

Variant type: single nucleotide variant.
Genome position: GRCh38 VCF-style: chr12-9545131-A-T. GRCh37 (hg19) VCF-style: chr12-9697727-A-T.
Identifiers: ClinVar variation 2642696 (VCV002642696.23), dbSNP rs200183367, ClinGen allele CA232364413.
Genomic context (GRCh38, chr12:9,545,131, plus strand): 5'-ATCTCTTCGTCTCCTATTTACACAGCCTGGAATGGAAACTTCTCGTTCCCAATCAGCATC[A>T]GTGCTGATCTGGCTCCTGCAGCCGTCCTGTTTGTCTATACCCTTCACCCCAGTGGGGAAA-3'